The following is an entry in ClinVar:

ClinVar aggregate classification (germline): Conflicting classifications of pathogenicity. Review status: criteria provided, conflicting classifications (1 of 4 stars). 5 submissions from 5 submitters: Pathogenic (1); Likely pathogenic (3); Uncertain significance (1). Last evaluated 2024-09-03.

Conditions:
Malignant hyperthermia, susceptibility to, 1 (MHS1). Also called: Anesthesia related hyperthermia; Malignant hyperpyrexia; Fulminating hyperpyrexia; Pharmacogenic myopathy; RYR1-Related Malignant Hyperthermia Susceptibility; Malignant hyperthermia suceptibility 1. Identifiers: Orphanet 423, MedGen C2930980, MONDO:0007783, OMIM 145600.
Central core myopathy (CMYO1A). Also called: Central core disease; Myopathy, central fibrillar; CONGENITAL MYOPATHY 1A, AUTOSOMAL DOMINANT, WITH SUSCEPTIBILITY TO MALIGNANT HYPERTHERMIA. Identifiers: Orphanet 597, MedGen C5830701, MONDO:0007294, OMIM 117000.
Congenital myopathy with fiber type disproportion. Also called: Congenital fiber-type disproportion myopathy; Congenital fiber-type disproportion. Identifiers: Orphanet 2020, MedGen C0546264, MONDO:0009711. Inheritance: all.
King Denborough syndrome (KDS). Identifiers: MedGen C1840365, MONDO:0020485, OMIM 619542.
Congenital multicore myopathy with external ophthalmoplegia (CMYO1B). Also called: MULTIMINICORE DISEASE WITH EXTERNAL OPHTHALMOPLEGIA; Congenital myopathy 1B, autosomal recessive; Minicore myopathy; MULTICORE MYOPATHY; Minicore myopathy with external ophthalmoplegia. Identifiers: Orphanet 598, Orphanet 98905, MedGen C1850674, MONDO:0009712, OMIM 255320, HP:0003789.
RYR1-related disorder. Also called: RYR1-related condition; RYR1-related disorders. Identifiers: MedGen CN239331.

Submissions (5):

Labcorp Genetics (formerly Invitae), Labcorp
Classification: Pathogenic for RYR1-related disorder. Last evaluated: 2024-09-03. Review status: criteria provided, single submitter. Criteria: Invitae Variant Classification Sherloc (09022015). Collection method: clinical testing. Allele origin: germline.
Comment: This sequence change creates a premature translational stop signal (p.Gly2733Alafs*13) in the RYR1 gene. It is expected to result in an absent or disrupted protein product. Loss-of-function variants in RYR1 are known to be pathogenic (PMID: 23919265, 25960145, 28818389, 30611313). This variant is not present in population databases (gnomAD no frequency). This variant has not been reported in the literature in individuals affected with RYR1-related conditions. ClinVar contains an entry for this variant (Variation ID: 817788). For these reasons, this variant has been classified as Pathogenic.

All of Us Research Program, National Institutes of Health
Classification: Uncertain significance for Malignant hyperthermia, susceptibility to, 1. Last evaluated: 2024-03-14. Review status: criteria provided, single submitter. Criteria: ACMG Guidelines, 2015. Collection method: clinical testing. Allele origin: germline. Inheritance: Autosomal dominant inheritance. Observed: 3 variant alleles, 3 heterozygotes.
Comment: This variant deletes 1 nucleotide in exon 51 of the RYR1 gene, creating a frameshift and premature translation stop signal. This variant is expected to result in an absent or non-functional protein product. To our knowledge, this variant has not been reported in individuals affected with RYR1-related disorders in the literature. This variant has not been identified in the general population by the Genome Aggregation Database (gnomAD). Loss of RYR1 function due to truncation variants is not an established disease mechanism for autosomal dominant malignant hyperthermia, although it is associated with other phenotype(s) (ClinVar variation ID: 817788). Due to insufficient evidence, this variant is classified as a Variant of Uncertain Significance for autosomal dominant malignant hyperthermia.

This study involves interpretation of variants in research participants for the purpose of population health screening. Participant phenotype was not available at the time of variant classification. Additional details can be found in publication PMID: 35346344, PMCID: PMC8962531

Fulgent Genetics
Classification: Likely pathogenic for Central core myopathy; Malignant hyperthermia, susceptibility to, 1; Congenital myopathy 4A, autosomal dominant; Congenital multicore myopathy with external ophthalmoplegia; King Denborough syndrome. Last evaluated: 2021-10-16. Review status: criteria provided, single submitter. Criteria: ACMG Guidelines, 2015. Collection method: clinical testing. Allele origin: unknown.

Human Genome Sequencing Center Clinical Lab, Baylor College of Medicine
Classification: Likely pathogenic for Congenital multicore myopathy with external ophthalmoplegia. Last evaluated: 2021-07-16. Review status: criteria provided, single submitter. Criteria: ACMG Guidelines, 2015. Collection method: clinical testing. Allele origin: unknown.

GeneDx
Classification: Likely pathogenic. Last evaluated: 2018-08-30. Review status: criteria provided, single submitter. Criteria: GeneDx Variant Classification (06012015). Collection method: clinical testing. Allele origin: germline. Affected: yes.
Comment: The c.8196delA variant has not been published as a pathogenic variant, nor has it been reported as a benign variant to our knowledge. The c.8196delA variant causes a frameshift starting with codon Glycine 2733, changes this amino acid to a Alanine residue, and creates a premature Stop codon at position 13 of the new reading frame, denoted p.Gly2733AlafsX13. This variant is predicted to cause loss of normal protein function either through protein truncation or nonsense-mediated mRNA decay. Furthermore, the c.8196delA variant is not observed in large population cohorts (Lek et al., 2016). Therefore, this variant is likely pathogenic; however, the possibility that it is benign cannot be excluded.

Literature cited by the submitters: PubMed 23919265 (cited by Labcorp Genetics (formerly Invitae), Labcorp); PubMed 25960145 (cited by Labcorp Genetics (formerly Invitae), Labcorp); PubMed 28818389 (cited by Labcorp Genetics (formerly Invitae), Labcorp); PubMed 30611313 (cited by Labcorp Genetics (formerly Invitae), Labcorp).

NM_000540.3(RYR1):c.8196del (p.Gly2733fs)

Gene: RYR1 (ryanodine receptor 1; plus strand). Cytogenetic location: 19q13.2.
Variant type: Deletion.
Coding change: c.8196del on transcript NM_000540.3 (MANE Select); coding-DNA position 8196, one base deleted (A; older notation c.8196delA).
Protein change: p.Gly2733fs; shifts the reading frame from glycine 2733.
Molecular consequence: frameshift variant.
Genome position (GRCh38, 1-based): chr19:38,504,876, A deleted; the last of 2 consecutive A bases (chr19:38,504,875-38,504,876); deleting either gives the same sequence. VCF-style (leftmost placement, unchanged base first): chr19-38504874-GA-G. GRCh37 (hg19) VCF-style: chr19-38995514-GA-G.
Other names: c.8196del, p.Gly2733fs (NM_001042723.2); short protein forms G2733fs.
Identifiers: ClinVar variation 817788 (VCV000817788.5), dbSNP rs1600844997, ClinGen allele CA507354280.
Genomic context (GRCh38, chr19:38,504,874, plus strand): 5'-CCCGACTATGTGGATGCCTCATACTCATCTAAGGCAGAGAAAAAGGCCACAGTGGATGCT[GA>G]AGGCAACTTTGATCCCCGGCCTGTGGAGACCCTCAAGTGAGGCCTGGGGGCTGGGAGACA-3'